The following continues an entry in ClinVar:

NM_001267550.2(TTN):c.4396T>C (p.Phe1466Leu)

ClinVar aggregate classification (germline): Conflicting classifications of pathogenicity. Uncertain significance (7); Benign (3); Likely benign (10).

Submissions 17 to 24 of 24:

Center for Advanced Laboratory Medicine, UC San Diego Health, University of California San Diego
Classification: Likely benign for Arrhythmogenic right ventricular cardiomyopathy. Last evaluated: 2017-02-02. Review status: criteria provided, single submitter. Criteria: ACMG Guidelines, 2015. Collection method: clinical testing. Allele origin: germline. Affected: yes. Observed: 1 variant allele.

Eurofins Ntd Llc (ga)
Classification: Uncertain significance. Last evaluated: 2015-09-22. Review status: criteria provided, single submitter. Criteria: EGL Classification Definitions 2015. Collection method: clinical testing. Allele origin: germline. Observed: 3 variant alleles, 3 heterozygotes.

Laboratory for Molecular Medicine, Mass General Brigham Personalized Medicine
Classification: Uncertain significance. Last evaluated: 2014-06-19. Review status: criteria provided, single submitter. Criteria: LMM Criteria. Collection method: clinical testing. Allele origin: germline. Observed: 2 variant alleles.
Comment: Variant classified as Uncertain Significance - Favor Benign. The Phe1466Leu vari ant in TTN has not been previously reported in individuals with cardiomyopathy, but has been identified in 0.1% (11/8600) of European American chromosomes by th e NHLBI Exome Sequencing Project (dbSNP rs151 310601). Computational prediction tools and conservation analysis suggest that the Phe1466Leu variant may not impact the protein, and 1 fish (tetraodon) carrie s a leucine (Leu) at this position raising the possibility that this change woul d be tolerated. However, this information is not predictive enough to rule out p athogenicity. In summary, while the clinical significance of the Phe1466Leu vari ant is uncertain, these data suggest that it is more likely to be benign.

Biesecker Lab/Clinical Genomics Section, National Institutes of Health
Classification: Likely benign. Last evaluated: 2013-06-24. Review status: criteria provided, single submitter. Criteria: Ng et al. (Circ Cardiovasc Genet. 2013). Collection method: research. Allele origin: unknown. Observed: 2 variant alleles. Study: ClinSeq.
Comment: The study set was not selected for affection status in relation to any cancer. Pathogenicity categories were based on literature curation. See Pubmed ID:23861362 for details.

Medical sequencing

Clinical Genetics DNA and cytogenetics Diagnostics Lab, Erasmus MC, Erasmus Medical Center
Classification: Likely benign. Review status: no assertion criteria provided. Collection method: clinical testing. Allele origin: germline. Affected: yes. Study: VKGL Data-share Consensus. Not counted in ClinVar's aggregate classification.

Clinical Genetics, Academic Medical Center
Classification: Likely benign. Review status: no assertion criteria provided. Collection method: clinical testing. Allele origin: germline. Affected: yes. Study: VKGL Data-share Consensus. Not counted in ClinVar's aggregate classification.

Diagnostic Laboratory, Department of Genetics, University Medical Center Groningen
Classification: Likely benign. Review status: no assertion criteria provided. Collection method: clinical testing. Allele origin: germline. Affected: yes. Study: VKGL Data-share Consensus. Not counted in ClinVar's aggregate classification.

Genome Diagnostics Laboratory, University Medical Center Utrecht
Classification: Likely benign. Review status: no assertion criteria provided. Collection method: clinical testing. Allele origin: germline. Affected: yes. Study: VKGL Data-share Consensus. Not counted in ClinVar's aggregate classification.

Literature cited by the submitters: PubMed 23396983 (cited by Athena Diagnostics and Ambry Genetics); PubMed 23861362 (cited by Athena Diagnostics and Ambry Genetics); PubMed 35207729 (cited by Athena Diagnostics); PubMed 26516846 (cited by Athena Diagnostics and Women's Health and Genetics/Laboratory Corporation of America, LabCorp); PubMed 28771489 (cited by Women's Health and Genetics/Laboratory Corporation of America, LabCorp).